The following is an entry in ClinVar:

ClinVar aggregate classification (germline): Uncertain significance (1 of 4 stars; one submission).

Conditions:
Amyotrophic lateral sclerosis type 1 (ALS1). Also called: AMYOTROPHIC LATERAL SCLEROSIS 1, FAMILIAL. Identifiers: Orphanet 803, MedGen C1862939, MONDO:0007103, OMIM 105400.
Neuronopathy, distal hereditary motor, type 7B. Also called: HMN VIIB; LOWER MOTOR NEURON DISEASE, DYNACTIN TYPE; NEURONOPATHY, DISTAL HEREDITARY MOTOR, AUTOSOMAL DOMINANT 14; NEURONOPATHY, DISTAL HEREDITARY MOTOR, HARDING TYPE VIIB; NEUROPATHY, DISTAL HEREDITARY MOTOR, HARDING TYPE VIIB; NEUROPATHY, DISTAL HEREDITARY MOTOR, WITH VOCAL CORD PARALYSIS, HARDING TYPE VIIB. Identifiers: Orphanet 139589, MedGen C1843315, MONDO:0011879, OMIM 607641.
Perry syndrome. Also called: PARKINSONISM WITH ALVEOLAR HYPOVENTILATION AND MENTAL DEPRESSION. Identifiers: Orphanet 178509, MedGen C1868594, MONDO:0008201, OMIM 168605.

Submission:

Labcorp Genetics (formerly Invitae), Labcorp
Classification: Uncertain significance for Amyotrophic lateral sclerosis type 1; Neuronopathy, distal hereditary motor, type 7B; Perry syndrome. Last evaluated: 2024-07-11. Review status: criteria provided, single submitter. Criteria: Invitae Variant Classification Sherloc (09022015). Collection method: clinical testing. Allele origin: germline.
Comment: This sequence change replaces methionine, which is neutral and non-polar, with leucine, which is neutral and non-polar, at codon 1100 of the DCTN1 protein (p.Met1100Leu). This variant is not present in population databases (gnomAD no frequency). This variant has not been reported in the literature in individuals affected with DCTN1-related conditions. Advanced modeling of protein sequence and biophysical properties (such as structural, functional, and spatial information, amino acid conservation, physicochemical variation, residue mobility, and thermodynamic stability) performed at Invitae indicates that this missense variant is not expected to disrupt DCTN1 protein function with a negative predictive value of 80%. In summary, the available evidence is currently insufficient to determine the role of this variant in disease. Therefore, it has been classified as a Variant of Uncertain Significance.

NM_004082.5(DCTN1):c.3298A>C (p.Met1100Leu)

Gene: DCTN1 (dynactin subunit 1; minus strand). Cytogenetic location: 2p13.1.
Variant type: single nucleotide variant.
Coding change: c.3298A>C on transcript NM_004082.5 (MANE Select); coding-DNA position 3298, A replaced by C.
Protein change: p.Met1100Leu; replaces methionine 1100 with leucine.
Molecular consequence: missense variant. On other transcripts: non-coding transcript variant (1).
Genome position (GRCh38, 1-based): chr2:74,363,341, T>G on the plus strand (A>C on the coding strand, the complement: DCTN1 is on the minus strand). VCF-style: chr2-74363341-T-G. GRCh37 (hg19) VCF-style: chr2-74590468-T-G.
Other names: c.3223A>C, p.Met1075Leu (NM_001135040.3); c.2881A>C, p.Met961Leu (NM_001135041.3); c.3172A>C, p.Met1058Leu (NM_001190836.2); c.3277A>C, p.Met1093Leu (NM_001190837.2); c.3247A>C, p.Met1083Leu (NM_001378991.1); c.3229A>C, p.Met1077Leu (NM_001378992.1); c.2896A>C, p.Met966Leu (NM_023019.4); short protein forms M1058L, M1075L, M1077L, M1083L, M1093L, M1100L, M961L, M966L.
Identifiers: ClinVar variation 3757216 (VCV003757216.2).